The following is an entry in ClinVar:

ClinVar aggregate classification (germline): Uncertain significance (1 of 4 stars; one submission).

Submission:

GeneDx
Classification: Uncertain significance. Last evaluated: 2024-01-31. Review status: criteria provided, single submitter. Criteria: GeneDx Variant Classification Process June 2021. Collection method: clinical testing. Allele origin: germline. Affected: yes.
Comment: Not observed at significant frequency in large population cohorts (gnomAD); In silico analysis supports that this missense variant has a deleterious effect on protein structure/function; Has not been previously published as pathogenic or benign to our knowledge

NM_001365536.1(SCN9A):c.490A>G (p.Thr164Ala)

Gene: SCN9A (sodium voltage-gated channel alpha subunit 9; minus strand). Cytogenetic location: 2q24.3.
Variant type: single nucleotide variant.
Coding change: c.490A>G on transcript NM_001365536.1 (MANE Select); coding-DNA position 490, A replaced by G.
Protein change: p.Thr164Ala; replaces threonine 164 with alanine.
Molecular consequence: missense variant.
Genome position (GRCh38, 1-based): chr2:166,305,898, T>C on the plus strand (A>G on the coding strand, the complement: SCN9A is on the minus strand). VCF-style: chr2-166305898-T-C. GRCh37 (hg19) VCF-style: chr2-167162408-T-C.
Other names: c.490A>G, p.Thr164Ala (NM_002977.4); short protein forms T164A.
Identifiers: ClinVar variation 3368622 (VCV003368622.1).